The following is an entry in ClinVar:

NM_001349884.2(DRAM2):c.725A>G (p.His242Arg)

Gene: DRAM2 (DNA damage regulated autophagy modulator 2; minus strand). Cytogenetic location: 1p13.3.
Variant type: single nucleotide variant.
Coding change: c.725A>G on transcript NM_001349884.2 (MANE Select); coding-DNA position 725, A replaced by G.
Protein change: p.His242Arg; replaces histidine 242 with arginine.
Molecular consequence: missense variant. On other transcripts: non-coding transcript variant (8).
Genome position (GRCh38, 1-based): chr1:111,118,236, T>C on the plus strand (A>G on the coding strand, the complement: DRAM2 is on the minus strand). VCF-style: chr1-111118236-T-C. GRCh37 (hg19) VCF-style: chr1-111660858-T-C.
Other names: c.725A>G, p.His242Arg (NM_001349881.2, NM_001349882.2, NM_001349885.2 and 1 more transcripts); c.455A>G, p.His152Arg (NM_001349886.2, NM_001349887.2, NM_001349888.2); c.335A>G, p.His112Arg (NM_001349889.2, NM_001349890.2, NM_001349891.2 and 2 more transcripts); c.725A>G (NM_178454.4); short protein forms H112R, H242R, H152R.
Identifiers: ClinVar variation 1921495 (VCV001921495.6), dbSNP rs1328268039, ClinGen allele CA341817983.

ClinVar aggregate classification (germline): Uncertain significance. Review status: criteria provided, multiple submitters, no conflicts (2 of 4 stars). 2 submissions from 2 submitters: Uncertain significance (2). Last evaluated 2025-03-26.

Conditions:
Inborn genetic diseases. Identifiers: MedGen C0950123, MeSH D030342.

Allele frequency attached by ClinVar (database versions not stated): gnomAD exomes below 0.00001; gnomAD 0.00001; TOPMed 0.00002.

Submissions (2):

Ambry Genetics
Classification: Uncertain significance for Inborn genetic diseases. Last evaluated: 2025-03-26. Review status: criteria provided, single submitter. Criteria: Ambry Variant Classification Scheme 2023. Collection method: clinical testing. Allele origin: germline.

Labcorp Genetics (formerly Invitae), Labcorp
Classification: Uncertain significance. Last evaluated: 2023-07-17. Review status: criteria provided, single submitter. Criteria: Invitae Variant Classification Sherloc (09022015). Collection method: clinical testing. Allele origin: germline.
Comment: In summary, the available evidence is currently insufficient to determine the role of this variant in disease. Therefore, it has been classified as a Variant of Uncertain Significance. An algorithm developed to predict the effect of missense changes on protein structure and function (PolyPhen-2) suggests that this variant is likely to be tolerated. ClinVar contains an entry for this variant (Variation ID: 1921495). This variant has not been reported in the literature in individuals affected with DRAM2-related conditions. This variant is present in population databases (no rsID available, gnomAD 0.0009%). This sequence change replaces histidine, which is basic and polar, with arginine, which is basic and polar, at codon 242 of the DRAM2 protein (p.His242Arg).